The following is an entry in ClinVar:

ClinVar aggregate classification (germline): Pathogenic/Likely pathogenic. Review status: criteria provided, multiple submitters, no conflicts (2 of 4 stars). 22 submissions from 22 submitters: Pathogenic (18); Likely pathogenic (1). 3 of the submissions do not count toward it. Last evaluated 2026-07-01.

Conditions:
HOGA1-related disorders.
Primary hyperoxaluria type 3. Also called: PH III. Identifiers: Orphanet 416, Orphanet 93600, MedGen C3150878, MONDO:0013327, OMIM 613616. Disease mechanism: loss of function.
HOGA1-related disorder. Also called: HOGA1-related condition.

Submissions 1 to 16 of 22:

PreventionGenetics, part of Exact Sciences
Classification: Pathogenic for HOGA1-related condition. Last evaluated: 2026-07-01. Review status: criteria provided, single submitter. Criteria: ACMG Guidelines, 2015. Collection method: clinical testing. Allele origin: germline.
Comment: The HOGA1 c.944_946delAGG variant is predicted to result in an in-frame deletion (p.Glu315del). This variant has been reported in the compound heterozygous and homozygous states in multiple individuals with primary hyperoxaluria type III (see for example, Table 2, Belostotsky et al. 2010. PubMed ID: 20797690; Table 2, Williams et al. 2012. PubMed ID: 22391140; Table 3, Williams et al. 2015. PubMed ID: 25629080). This variant has been reported as one of the most common variants that causes primary hyperoxaluria type III (Figure 1, Hopp et al. 2015. PubMed ID: 25644115). In vitro experimental studies suggest this variant affects protein function leading to preferential degradation through the ubiquitin proteasome pathway (Riedel et al. 2012. PubMed ID: 22771891; Figure 4, MacDonald et al. 2016. PubMed ID: 27096395). This variant is reported in 0.90% of alleles in individuals of Ashkenazi Jewish descent in gnomAD. This variant is interpreted as pathogenic.

Labcorp Genetics (formerly Invitae), Labcorp
Classification: Pathogenic. Last evaluated: 2026-01-20. Review status: criteria provided, single submitter. Criteria: Invitae Variant Classification Sherloc (09022015). Collection method: clinical testing. Allele origin: germline.
Comment: This variant, c.944_946del, results in the deletion of 1 amino acid(s) of the HOGA1 protein (p.Glu315del), but otherwise preserves the integrity of the reading frame. This variant is present in population databases (rs758714937, gnomAD 0.9%). This variant has been observed in individual(s) with hyperoxaluria (PMID: 20797690). It is commonly reported in individuals of Ashkenazi Jewish ancestry (PMID: 20797690). ClinVar contains an entry for this variant (Variation ID: 29). Algorithms developed to predict the effect of variants on gene product structure and function are not available or were not evaluated for this variant. Experimental studies have shown that this variant affects HOGA1 function (PMID: 22771891, 27096395). For these reasons, this variant has been classified as Pathogenic.

Dasa
Classification: Pathogenic. Last evaluated: 2025-10-08. Review status: criteria provided, single submitter. Criteria: DASA Assertion Criteria. Collection method: clinical testing. Allele origin: germline.
Comment: NM_138413.4(HOGA1):c.944_946del (p.Glu315del) is an in-frame deletion predicted to remove glutamic acid at protein position 315 without shifting the reading frame. Segregation data support an association with disease in the reported family/families (PMID: 20797690; PMID: 22391140; PMID: 25629080; PMID: 25644115). This variant has been recurrently observed in individuals with HOGA1-related disorders (PMID: 20797690; PMID: 22391140; PMID: 25629080; PMID: 25644115). Functional evidence supports an impact on the gene or gene product. Also, this variant is rare in population databases. Based on the currently available evidence, this variant is classified as pathogenic.

Rare Kidney Stone Consortium and the Mayo Clinic Hyperoxaluria Center, Mayo Clinic
Classification: Pathogenic for Primary hyperoxaluria type 3. Last evaluated: 2025-10-03. Review status: criteria provided, single submitter. Criteria: ACMG Guidelines, 2015. Collection method: research. Allele origin: germline. Affected: yes. Observed: 3 variant alleles.
Comment: ACMG:PM1, PM2, PM4, PP5

Natera, Inc.
Classification: Pathogenic for Primary hyperoxaluria type III. Last evaluated: 2025-09-19. Review status: criteria provided, single submitter. Criteria: Natera Variant Classification Schema (03/2026). Collection method: clinical testing. Allele origin: germline.
Comment: The c.944_946delAGG variant in HOGA1 is an in-frame deletion predicted to remove glutamic acid at amino acid 315 while preserving the reading frame. This variant has been observed in one or more individuals affected with the associated recessive disease, as either homozygous or compound heterozygous with a second variant (PMID: 20797690). Given the available evidence, this variant is classified as Pathogenic.

GeneDx
Classification: Pathogenic. Last evaluated: 2025-07-22. Review status: criteria provided, single submitter. Criteria: GeneDx Variant Classification Process June 2021. Collection method: clinical testing. Allele origin: germline. Affected: yes.
Comment: In-frame deletion of 1 amino acid in a non-repeat region; Published functional studies demonstrate targeted cellular degradation and an absence of HOGA1 protein (PMID: 27096395); In silico analysis supports a deleterious effect on protein structure/function; This variant is associated with the following publications: (PMID: 22391140, 22771891, 20797690, 31980526, 34426522, 31589614, 36928260, 39476025, 27096395)

Revvity Omics, Revvity
Classification: Pathogenic. Last evaluated: 2025-03-14. Review status: criteria provided, single submitter. Criteria: ACMG Guidelines, 2015. Collection method: clinical testing. Allele origin: germline.

Blueprint Genetics
Classification: Pathogenic for HOGA1-related disorders. Last evaluated: 2024-11-22. Review status: criteria provided, single submitter. Criteria: ACMG Guidelines, 2015. Collection method: clinical testing. Allele origin: germline. Affected: yes. Observed: 5 variant alleles.

CeGaT Center for Human Genetics Tuebingen
Classification: Likely pathogenic. Last evaluated: 2024-07-01. Review status: criteria provided, single submitter. Criteria: CeGaT Center For Human Genetics Tuebingen Variant Classification Criteria Version 2. Collection method: clinical testing. Allele origin: germline. Affected: yes. Observed: 1 variant allele.
Comment: HOGA1: PM3:Strong, PM2, PM4:Supporting, PS3:Supporting

Genomic Medicine Center of Excellence, King Faisal Specialist Hospital and Research Centre
Classification: Pathogenic for Primary hyperoxaluria type 3. Last evaluated: 2024-04-04. Review status: criteria provided, single submitter. Criteria: ACMG Guidelines, 2015. Collection method: clinical testing. Allele origin: germline.

Laboratory of Medical Genetics, National & Kapodistrian University of Athens
Classification: Pathogenic for Primary hyperoxaluria type 3. Last evaluated: 2024-02-01. Review status: criteria provided, single submitter. Criteria: ACMG Guidelines, 2015. Collection method: curation. Allele origin: germline. Affected: no.

Fulgent Genetics
Classification: Pathogenic for Primary hyperoxaluria type 3. Last evaluated: 2024-01-03. Review status: criteria provided, single submitter. Criteria: ACMG Guidelines, 2015. Collection method: clinical testing. Allele origin: germline.

Clinical Biochemistry Laboratory, Health Services Laboratory
Classification: Pathogenic for Primary hyperoxaluria type 3. Last evaluated: 2023-10-27. Review status: criteria provided, single submitter. Criteria: ACMG Guidelines, 2015. Collection method: clinical testing. Allele origin: germline. Affected: yes.
Comment: ACMG:PS3 PM3 PM4 PP1 PP4 PP5

Women's Health and Genetics/Laboratory Corporation of America, LabCorp
Classification: Pathogenic for Primary hyperoxaluria type 3. Last evaluated: 2023-03-16. Review status: criteria provided, single submitter. Criteria: LabCorp Variant Classification Summary - May 2015. Collection method: clinical testing. Allele origin: germline.
Comment: Variant summary: HOGA1 c.944_946delAGG (p.Glu315del) results in an in-frame deletion that is predicted to remove one amino acid (Gly315) from the encoded protein. The variant allele was found at a frequency of 0.00047 in 251206 control chromosomes (gnomAD) and is prevalent in individuals of Ashkenazi Jewish ancestry (found at a frequency of 0.0091). c.944_946delAGG has been reported in the literature in the homozygous and compound heterozygous state in multiple individuals affected with Primary Hyperoxaluria, Type III and has been found to segregate with disease within families (e.g. Belostotsky_2010). These data indicate that the variant is very likely to be associated with disease. Experimental studies have found that the variant results in a protein that is unstable, is rapidly degraded, and retains no measurable enzymatic activity in vitro (e.g.Riedel_2012, MacDonald_2016). Nine submitters have provided clinical-significance assessments for this variant to ClinVar after 2014 and all classified the variant as pathogenic. Based on the evidence outlined above, the variant was classified as pathogenic.

Department of Pathology and Laboratory Medicine, Sinai Health System
Classification: Pathogenic for Primary hyperoxaluria type 3. Last evaluated: 2022-10-31. Review status: criteria provided, single submitter. Criteria: ACMG Guidelines, 2015. Collection method: research. Allele origin: germline.

Myriad Genetics, Inc.
Classification: Pathogenic for Primary hyperoxaluria type 3. Last evaluated: 2019-12-17. Review status: criteria provided, single submitter. Criteria: Myriad Women's Health Autosomal Recessive and X-Linked Classification Criteria (2019). Collection method: clinical testing. Allele origin: unknown.
Comment: NM_138413.3(HOGA1):c.944_946delAGG(E315del) is classified as pathogenic in the context of primary hyperoxaluria type 3. Sources cited for classification include the following: PMID 20797690, 22771891, 22391140 and 21896830. Classification of NM_138413.3(HOGA1):c.944_946delAGG(E315del) is based on the following criteria: This is a well-established pathogenic variant in the literature that has been observed more frequently in patients with clinical diagnoses than in healthy populations. Please note: this variant was assessed in the context of healthy population screening.

NM_138413.4(HOGA1):c.938AGG[2] (p.Glu315del)

Gene: HOGA1 (4-hydroxy-2-oxoglutarate aldolase 1; plus strand). Cytogenetic location: 10q24.2.
Variant type: Microsatellite.
Coding change: c.938AGG[2] on transcript NM_138413.4 (MANE Select); two copies in a row of the 3-base unit AGG starting at c.938; the reference has three copies in a row; one copy, 3 bases deleted; also written c.944_946del.
Protein change: p.Glu315del; deletes glutamic acid 315.
Molecular consequence: inframe deletion.
Genome position (GRCh38, 1-based): chr10:97,611,619-97,611,621, AGG deleted; deleting any 3 consecutive bases within chr10:97,611,612-97,611,621 gives the same sequence; the position shown is the placement nearest the transcript's 3' end. VCF-style (leftmost placement, unchanged base first): chr10-97611611-TGAG-T. GRCh37 (hg19) VCF-style: chr10-99371368-TGAG-T.
Other names: Glu314del; c.938_940del; c.944_946del (NM_138413.3, NM_138413.4); c.944_946delAGG (NM_138413.4); c.449AGG[2], p.Glu152del (NM_001134670.2); short protein forms E315del, E152del.
Identifiers: ClinVar variation 29 (VCV000000029.61), dbSNP rs397509360, ClinGen allele CA339783.